The following is an entry in ClinVar:

NM_002180.3(IGHMBP2):c.1198G>A (p.Asp400Asn)

Gene: IGHMBP2 (immunoglobulin mu DNA binding protein 2; plus strand). Cytogenetic location: 11q13.3.
Variant type: single nucleotide variant.
Coding change: c.1198G>A on transcript NM_002180.3 (MANE Select); coding-DNA position 1198, G replaced by A.
Protein change: p.Asp400Asn; replaces aspartic acid 400 with asparagine.
Molecular consequence: missense variant.
Genome position (GRCh38, 1-based): chr11:68,929,320, G>A. VCF-style: chr11-68929320-G-A. GRCh37 (hg19) VCF-style: chr11-68696788-G-A.
Other names: short protein forms D400N.
Identifiers: ClinVar variation 534932 (VCV000534932.13), dbSNP rs779654686, ClinGen allele CA6153542.

ClinVar aggregate classification (germline): Conflicting classifications of pathogenicity. Review status: criteria provided, conflicting classifications (1 of 4 stars). 4 submissions from 4 submitters: Pathogenic (1); Likely pathogenic (1); Uncertain significance (1). 1 of the submissions does not count toward it. Last evaluated 2026-06-12.

Conditions:
Charcot-Marie-Tooth disease. Also called: Charcot-Marie-Tooth Hereditary Neuropathy; Charcot-Marie-Tooth Neuropathy. Identifiers: Orphanet 166, MedGen C0007959, MONDO:0015626.
Charcot-Marie-Tooth disease axonal type 2S. Also called: CHARCOT-MARIE-TOOTH DISEASE, AXONAL, AUTOSOMAL RECESSIVE, TYPE 2S; CHARCOT-MARIE-TOOTH NEUROPATHY, TYPE 2S. Identifiers: Orphanet 443073, MedGen C4015349, MONDO:0014511, OMIM 616155.
Autosomal recessive distal spinal muscular atrophy 1. Also called: SEVERE INFANTILE AXONAL NEUROPATHY WITH RESPIRATORY FAILURE; SPINAL MUSCULAR ATROPHY, DIAPHRAGMATIC; Spinal muscular atrophy with respiratory distress 1; NEURONOPATHY, DISTAL HEREDITARY MOTOR, HARDING TYPE VI; NEUROPATHY, DISTAL HEREDITARY MOTOR, AUTOSOMAL RECESSIVE 1; NEURONOPATHY, SEVERE INFANTILE AXONAL, WITH RESPIRATORY FAILURE. Identifiers: Orphanet 98920, MedGen C1858517, MONDO:0011436, OMIM 604320.

Allele frequency attached by ClinVar (database versions not stated): gnomAD 0.00001; TOPMed 0.00001; ExAC 0.00001; gnomAD exomes 0.00001.
gnomAD v4.1: 9 of 1,613,472 alleles (0.00056%); highest among the groups gnomAD compares: Non-Finnish European, 0.00068%; no homozygotes.

Submissions (4):

GeneDx
Classification: Likely pathogenic. Last evaluated: 2026-06-12. Review status: criteria provided, single submitter. Criteria: GeneDx Variant Classification Process June 2021. Collection method: clinical testing. Allele origin: germline.
Comment: Not observed at significant frequency in large population cohorts (gnomAD); In silico analysis supports that this missense variant has a deleterious effect on protein structure/function; This variant is associated with the following publications: (PMID: Lubojanski2016[casereport], 24388491, 25439726, 22965130, 34668123, 31069529)

Women's Health and Genetics/Laboratory Corporation of America, LabCorp
Classification: Uncertain significance. Last evaluated: 2025-05-28. Review status: criteria provided, single submitter. Criteria: LabCorp Variant Classification Summary - May 2015. Collection method: clinical testing. Allele origin: germline.
Comment: Variant summary: IGHMBP2 c.1198G>A (p.Asp400Asn) results in a conservative amino acid change in the encoded protein sequence. Algorithms developed to predict the effect of missense changes on protein structure and function are either unavailable or do not agree on the potential impact of this missense change. The variant allele was found at a frequency of 8e-06 in 250744 control chromosomes. c.1198G>A has been observed in individual(s) affected with clinical features of autosomal recessive Charcot-Marie-Tooth disease axonal type 2S (example, Ganapathy_2019, internal data). These data indicate that the variant may be associated with disease. To our knowledge, no experimental evidence demonstrating an impact on protein function has been reported. The following publications have been ascertained in the context of this evaluation (PMID: 31069529, 38046662, 34668123, 38672198). ClinVar contains an entry for this variant (Variation ID: 534932). Based on the evidence outlined above, the variant was classified as VUS-possibly pathogenic.

Labcorp Genetics (formerly Invitae), Labcorp
Classification: Pathogenic for Autosomal recessive distal spinal muscular atrophy 1; Charcot-Marie-Tooth disease axonal type 2S. Last evaluated: 2023-11-24. Review status: criteria provided, single submitter. Criteria: Invitae Variant Classification Sherloc (09022015). Collection method: clinical testing. Allele origin: germline.
Comment: This sequence change replaces aspartic acid, which is acidic and polar, with asparagine, which is neutral and polar, at codon 400 of the IGHMBP2 protein (p.Asp400Asn). This variant is present in population databases (rs779654686, gnomAD 0.002%). This missense change has been observed in individual(s) with motor and sensory neuropathy (Invitae). In at least one individual the data is consistent with being in trans (on the opposite chromosome) from a pathogenic variant. ClinVar contains an entry for this variant (Variation ID: 534932). Advanced modeling of protein sequence and biophysical properties (such as structural, functional, and spatial information, amino acid conservation, physicochemical variation, residue mobility, and thermodynamic stability) performed at Invitae indicates that this missense variant is expected to disrupt IGHMBP2 protein function with a positive predictive value of 95%. For these reasons, this variant has been classified as Pathogenic.

Inherited Neuropathy Consortium
Classification: Uncertain significance for Charcot-Marie-Tooth disease. Review status: no assertion criteria provided. Collection method: research. Allele origin: inherited. Affected: yes. Not counted in ClinVar's aggregate classification.

Literature cited by the submitters: PubMed 31069529 (cited by Women's Health and Genetics/Laboratory Corporation of America, LabCorp); PubMed 38046662 (cited by Women's Health and Genetics/Laboratory Corporation of America, LabCorp); PubMed 34668123 (cited by Women's Health and Genetics/Laboratory Corporation of America, LabCorp); PubMed 38672198 (cited by Women's Health and Genetics/Laboratory Corporation of America, LabCorp).